The following is an entry in ClinVar:

NM_006949.4(STXBP2):c.679C>T (p.Arg227Cys)

Gene: STXBP2 (syntaxin binding protein 2; plus strand). Cytogenetic location: 19p13.2.
Variant type: single nucleotide variant.
Coding change: c.679C>T on transcript NM_006949.4 (MANE Select); coding-DNA position 679, C replaced by T.
Protein change: p.Arg227Cys; replaces arginine 227 with cysteine.
Molecular consequence: missense variant. On other transcripts: non-coding transcript variant (1).
Genome position (GRCh38, 1-based): chr19:7,642,218, C>T. VCF-style: chr19-7642218-C-T. GRCh37 (hg19) VCF-style: chr19-7707104-C-T.
Other names: c.670C>T, p.Arg224Cys (NM_001127396.3); c.712C>T, p.Arg238Cys (NM_001272034.2); short protein forms R238C, R224C, R227C.
Identifiers: ClinVar variation 893505 (VCV000893505.13), dbSNP rs372973081, ClinGen allele CA304907343.

ClinVar aggregate classification (germline): Uncertain significance. Review status: criteria provided, multiple submitters, no conflicts (2 of 4 stars). 2 submissions from 2 submitters: Uncertain significance (2). Last evaluated 2022-02-08.

Conditions:
Familial hemophagocytic lymphohistiocytosis 5. Also called: STXBP2-Related Familial Hemophagocytic Lymphohistiocytosis (STXBP2-fHLH). Identifiers: Orphanet 540, MedGen C2751293, MONDO:0013135, OMIM 613101.

Allele frequency attached by ClinVar (database versions not stated): gnomAD 0.00001 and 0.00002; TOPMed 0.00001.

Submissions (2):

Labcorp Genetics (formerly Invitae), Labcorp
Classification: Uncertain significance for Familial hemophagocytic lymphohistiocytosis 5. Last evaluated: 2022-02-08. Review status: criteria provided, single submitter. Criteria: Invitae Variant Classification Sherloc (09022015). Collection method: clinical testing. Allele origin: germline.
Comment: This sequence change replaces arginine, which is basic and polar, with cysteine, which is neutral and slightly polar, at codon 227 of the STXBP2 protein (p.Arg227Cys). This variant is present in population databases (rs372973081, gnomAD 0.01%). This variant has not been reported in the literature in individuals affected with STXBP2-related conditions. ClinVar contains an entry for this variant (Variation ID: 893505). Algorithms developed to predict the effect of missense changes on protein structure and function are either unavailable or do not agree on the potential impact of this missense change (SIFT: "Deleterious"; PolyPhen-2: "Benign"; Align-GVGD: "Class C0"). In summary, the available evidence is currently insufficient to determine the role of this variant in disease. Therefore, it has been classified as a Variant of Uncertain Significance.

Illumina Laboratory Services, Illumina
Classification: Uncertain significance for Familial hemophagocytic lymphohistiocytosis 5. Last evaluated: 2018-01-13. Review status: criteria provided, single submitter. Criteria: ICSL Variant Classification Criteria 13 December 2019. Collection method: clinical testing. Allele origin: germline.